The following is an entry in ClinVar:

ClinVar aggregate classification (germline): Uncertain significance (1 of 4 stars; one submission).

gnomAD v4.1: 1 of 1,599,256 alleles (0.000063%); no homozygotes.

Submissions (2):

GeneDx
Classification: Uncertain significance. Last evaluated: 2023-10-26. Review status: criteria provided, single submitter. Criteria: GeneDx Variant Classification Process June 2021. Collection method: clinical testing. Allele origin: germline. Affected: yes.
Comment: Not observed in large population cohorts (gnomAD); In silico analysis supports a deleterious effect on splicing; Has not been previously published as pathogenic or benign to our knowledge

Dr. Peter K. Rogan Lab, Western University
No classification provided (evidence only). Condition: Thyroid cancer, nonmedullary, 1. Review status: no classification provided. Collection method: in vitro. Allele origin: not applicable. Functional consequence: retained intron. Not counted in ClinVar's aggregate classification.

NM_182641.4(BPTF):c.8262-11G>A

Gene: BPTF (bromodomain PHD finger transcription factor; plus strand). Cytogenetic location: 17q24.2.
Variant type: single nucleotide variant.
Coding change: c.8262-11G>A on transcript NM_182641.4 (MANE Select); 11 bases into the intron before coding-DNA position 8262, G replaced by A.
Molecular consequence: intron variant.
Genome position (GRCh38, 1-based): chr17:67,964,201, G>A. VCF-style: chr17-67964201-G-A. GRCh37 (hg19) VCF-style: chr17-65960317-G-A.
Other names: NC_000017.10:g.65960317G>A; c.8211-11G>A (NM_004459.7).
Identifiers: ClinVar variation 489273 (VCV000489273.6), dbSNP rs1555685499, ClinGen allele CA658684176.